The following is an entry in ClinVar:

ClinVar aggregate classification (germline): Conflicting classifications of pathogenicity. Review status: criteria provided, conflicting classifications (1 of 4 stars). 2 submissions from 2 submitters: Uncertain significance (1); Likely benign (1). Last evaluated 2023-01-23.

Conditions:
Inborn genetic diseases. Identifiers: MedGen C0950123, MeSH D030342.

Allele frequency attached by ClinVar (database versions not stated): ESP Exome Variant Server 0.00008; 1000 Genomes Project 30x 0.00016; 1000 Genomes Project 0.00020.
gnomAD v4.1: 27 of 1,613,268 alleles (0.0017%); highest among the groups gnomAD compares: African/African-American, 0.036%; no homozygotes.

Submissions (2):

Ambry Genetics
Classification: Likely benign for Inborn genetic diseases. Last evaluated: 2023-01-23. Review status: criteria provided, single submitter. Criteria: Ambry Variant Classification Scheme 2023. Collection method: clinical testing. Allele origin: germline.

Labcorp Genetics (formerly Invitae), Labcorp
Classification: Uncertain significance. Last evaluated: 2022-04-19. Review status: criteria provided, single submitter. Criteria: Invitae Variant Classification Sherloc (09022015). Collection method: clinical testing. Allele origin: germline.
Comment: In summary, the available evidence is currently insufficient to determine the role of this variant in disease. Therefore, it has been classified as a Variant of Uncertain Significance. Algorithms developed to predict the effect of missense changes on protein structure and function are either unavailable or do not agree on the potential impact of this missense change (SIFT: "Deleterious"; PolyPhen-2: "Possibly Damaging"; Align-GVGD: "Class C0"). This variant has not been reported in the literature in individuals affected with MACF1-related conditions. This variant is present in population databases (rs183077332, gnomAD 0.04%). This sequence change replaces arginine, which is basic and polar, with leucine, which is neutral and non-polar, at codon 4974 of the MACF1 protein (p.Arg4974Leu).

NM_001394062.1(MACF1):c.21098G>T (p.Arg7033Leu)

Gene: MACF1 (microtubule actin crosslinking factor 1; plus strand). Cytogenetic location: 1p34.3.
Variant type: single nucleotide variant.
Coding change: c.21098G>T on transcript NM_001394062.1 (MANE Select); coding-DNA position 21098, G replaced by T.
Protein change: p.Arg7033Leu; replaces arginine 7033 with leucine.
Molecular consequence: missense variant.
Genome position (GRCh38, 1-based): chr1:39,458,392, G>T. VCF-style: chr1-39458392-G-T. GRCh37 (hg19) VCF-style: chr1-39924064-G-T.
Other names: c.14921G>T (NM_012090.4); c.9176G>T, p.Arg3059Leu (NM_001397473.1); c.14921G>T, p.Arg4974Leu (NM_012090.5); short protein forms R4974L, R7033L, R3059L.
Identifiers: ClinVar variation 2140110 (VCV002140110.6), dbSNP rs183077332, ClinGen allele CA784574.